The following is an entry in ClinVar:

NM_017999.5(RNF31):c.2131-8C>A

Gene: RNF31 (ring finger protein 31; plus strand). Cytogenetic location: 14q12.
Variant type: single nucleotide variant.
Coding change: c.2131-8C>A on transcript NM_017999.5 (MANE Select); 8 bases into the intron before coding-DNA position 2131, C replaced by A.
Molecular consequence: intron variant.
Genome position (GRCh38, 1-based): chr14:24,155,149, C>A. VCF-style: chr14-24155149-C-A. GRCh37 (hg19) VCF-style: chr14-24624358-C-A.
Other names: c.1678-8C>A (NM_001310332.2).
Identifiers: ClinVar variation 3031412 (VCV003031412.2), dbSNP rs376183207, ClinGen allele CA7125991.

ClinVar aggregate classification (germline): Likely benign (0 of 4 stars; one submission).

Conditions:
RNF31-related disorder. Also called: RNF31-related condition.

Allele frequency attached by ClinVar (database versions not stated): ExAC 0.00002; gnomAD 0.00002; TOPMed 0.00006; ESP Exome Variant Server 0.00008.
gnomAD v4.1: 5 of 1,612,640 alleles (0.00031%); highest among the groups gnomAD compares: African/African-American, 0.0067%; no homozygotes.

Submission:

PreventionGenetics, part of Exact Sciences
Classification: Likely benign for RNF31-related condition. Last evaluated: 2021-04-20. Review status: no assertion criteria provided. Collection method: clinical testing. Allele origin: germline.
Comment: This variant is classified as likely benign based on ACMG/AMP sequence variant interpretation guidelines (Richards et al. 2015 PMID: 25741868, with internal and published modifications).